The following is an entry in ClinVar:

NM_144596.4(TTC8):c.422C>A (p.Thr141Lys)

Gene: TTC8 (tetratricopeptide repeat domain 8; plus strand). Cytogenetic location: 14q31.3.
Variant type: single nucleotide variant.
Coding change: c.422C>A on transcript NM_144596.4 (MANE Select); coding-DNA position 422, C replaced by A.
Protein change: p.Thr141Lys; replaces threonine 141 with lysine.
Molecular consequence: missense variant. On other transcripts: 5 prime UTR variant (2), non-coding transcript variant (1).
Genome position (GRCh38, 1-based): chr14:88,841,129, C>A. VCF-style: chr14-88841129-C-A. GRCh37 (hg19) VCF-style: chr14-89307473-C-A.
Other names: c.392C>A, p.Thr131Lys (NM_001288781.1, NM_001366535.2, NM_001366536.2 and 2 more transcripts); c.-171C>A (NM_001288782.1); c.-266C>A (NM_001288783.1); short protein forms T131K, T141K.
Identifiers: ClinVar variation 2108052 (VCV002108052.5), dbSNP rs2546169332, ClinGen allele CA390574722.

ClinVar aggregate classification (germline): Uncertain significance. Review status: criteria provided, multiple submitters, no conflicts (2 of 4 stars). 2 submissions from 2 submitters: Uncertain significance (2). Last evaluated 2022-03-09.

Conditions:
Inborn genetic diseases. Identifiers: MedGen C0950123, MeSH D030342.
Bardet-Biedl syndrome (BBS). Identifiers: Orphanet 110, MedGen C0752166, MONDO:0015229.

Submissions (2):

Labcorp Genetics (formerly Invitae), Labcorp
Classification: Uncertain significance for Bardet-Biedl syndrome. Last evaluated: 2022-03-09. Review status: criteria provided, single submitter. Criteria: Invitae Variant Classification Sherloc (09022015). Collection method: clinical testing. Allele origin: germline.
Comment: In summary, the available evidence is currently insufficient to determine the role of this variant in disease. Therefore, it has been classified as a Variant of Uncertain Significance. Algorithms developed to predict the effect of missense changes on protein structure and function are either unavailable or do not agree on the potential impact of this missense change (SIFT: "Tolerated"; PolyPhen-2: "Possibly Damaging"; Align-GVGD: "Class C0"). This variant has not been reported in the literature in individuals affected with TTC8-related conditions. This variant is not present in population databases (gnomAD no frequency). This sequence change replaces threonine, which is neutral and polar, with lysine, which is basic and polar, at codon 131 of the TTC8 protein (p.Thr131Lys).

Ambry Genetics
Classification: Uncertain significance for Inborn genetic diseases. Last evaluated: 2021-11-05. Review status: criteria provided, single submitter. Criteria: Ambry Variant Classification Scheme 2023. Collection method: clinical testing. Allele origin: germline.